The following is an entry in ClinVar:

ClinVar aggregate classification (germline): Conflicting classifications of pathogenicity. Review status: criteria provided, conflicting classifications (1 of 4 stars). 2 submissions from 2 submitters: Uncertain significance (1); Likely benign (1). Last evaluated 2026-03-10.

Conditions:
Hereditary cancer-predisposing syndrome. Also called: Neoplastic Syndromes, Hereditary; Tumor predisposition; Hereditary neoplastic syndrome; Hereditary Cancer Syndrome. Identifiers: Orphanet 140162, MedGen C0027672, MeSH D009386, MONDO:0015356.

Submissions (2):

Ambry Genetics
Classification: Uncertain significance for Hereditary cancer-predisposing syndrome. Last evaluated: 2026-03-10. Review status: criteria provided, single submitter. Criteria: Ambry Variant Classification Scheme 2023. Collection method: clinical testing. Allele origin: germline.
Comment: The p.T617S variant (also known as c.1850C>G), located in coding exon 9 of the BRCA1 gene, results from a C to G substitution at nucleotide position 1850. The threonine at codon 617 is replaced by serine, an amino acid with similar properties. This amino acid position is not well conserved in available vertebrate species. In addition, the in silico prediction for this alteration is inconclusive. Based on the available evidence, the clinical significance of this variant remains unclear.

Blueprint Genetics
Classification: Likely benign. Last evaluated: 2024-04-18. Review status: criteria provided, single submitter. Criteria: ACMG Guidelines, 2015. Collection method: clinical testing. Allele origin: germline.

NM_007294.4(BRCA1):c.1850C>G (p.Thr617Ser)

Gene: BRCA1 (BRCA1 DNA repair associated; minus strand). Cytogenetic location: 17q21.31.
Variant type: single nucleotide variant.
Coding change: c.1850C>G on transcript NM_007294.4 (MANE Select); coding-DNA position 1850, C replaced by G.
Protein change: p.Thr617Ser; replaces threonine 617 with serine.
Molecular consequence: missense variant. On other transcripts: intron variant (137).
Genome position (GRCh38, 1-based): chr17:43,093,681, G>C on the plus strand (C>G on the coding strand, the complement: BRCA1 is on the minus strand). VCF-style: chr17-43093681-G-C. GRCh37 (hg19) VCF-style: chr17-41245698-G-C.
Other names: c.1637C>G, p.Thr546Ser (NM_001407571.1, NM_001407853.1, NM_001407894.1 and 9 more transcripts); c.1850C>G, p.Thr617Ser (NM_001407581.1, NM_001407582.1, NM_001407583.1 and 30 more transcripts); c.1847C>G, p.Thr616Ser (NM_001407587.1, NM_001407590.1, NM_001407591.1 and 22 more transcripts); c.1841C>G, p.Thr614Ser (NM_001407646.1, NM_001407647.1); c.1727C>G, p.Thr576Ser (NM_001407648.1, NM_001407664.1, NM_001407665.1 and 19 more transcripts); c.1724C>G, p.Thr575Ser (NM_001407649.1, NM_001407670.1, NM_001407671.1 and 11 more transcripts); c.1772C>G, p.Thr591Ser (NM_001407653.1, NM_001407654.1, NM_001407655.1 and 4 more transcripts); c.1769C>G, p.Thr590Ser (NM_001407659.1, NM_001407660.1, NM_001407661.1 and 1 more transcripts); and 40 more; short protein forms T529S, T547S, T590S, T591S, T489S, T490S, T506S, T528S.
Identifiers: ClinVar variation 4828096 (VCV004828096.2).
Genomic context (GRCh38, chr17:43,093,681, plus strand): 5'-GTACAATTAGGTGGGCTTAGATTTCTACTGACTACTAGTTCAAGCGCATGAATATGCCTG[G>C]TAGAAGACTTCCTCCTCAGCCTATTCTTTTTAGGTGCTTTTGAATTGTGGATATTTAATT-3'
Protein context (NP_009225.1, residues 607-627): KKNRLRRKSS[Thr617Ser]RHIHALELVV